The following is an entry in ClinVar:

NM_020791.4(TAOK1):c.2530C>G (p.Leu844Val)

Gene: TAOK1 (TAO kinase 1; plus strand). Cytogenetic location: 17q11.2.
Variant type: single nucleotide variant.
Coding change: c.2530C>G on transcript NM_020791.4 (MANE Select); coding-DNA position 2530, C replaced by G.
Protein change: p.Leu844Val; replaces leucine 844 with valine.
Molecular consequence: missense variant.
Genome position (GRCh38, 1-based): chr17:29,534,286, C>G. VCF-style: chr17-29534286-C-G. GRCh37 (hg19) VCF-style: chr17-27861304-C-G.
Other names: c.2086C>G, p.Leu696Val (NM_025142.1); short protein forms L696V, L844V.
Identifiers: ClinVar variation 3905932 (VCV003905932.10).
Genomic context (GRCh38, chr17:29,534,286, plus strand): 5'-GAGGCACAACATGATCGAGAGCTTCGCGAGCTTGAACAGAGGGTCTCCCTCCGGAGGGCA[C>G]TCTTAGAACAAAAGGTATAAGTAATAGAAGGAAAAATCATTGTTTTCGAATTAGCTTTTG-3'
Protein context (NP_065842.1, residues 834-854): LEQRVSLRRA[Leu844Val]LEQKIEEEML

ClinVar aggregate classification (germline): Uncertain significance (1 of 4 stars; one submission).

Submission:

CeGaT Center for Human Genetics Tuebingen
Classification: Uncertain significance. Last evaluated: 2025-05-01. Review status: criteria provided, single submitter. Criteria: CeGaT Center For Human Genetics Tuebingen Variant Classification Criteria Version 2. Collection method: clinical testing. Allele origin: germline. Affected: yes. Observed: 1 variant allele.
Comment: TAOK1: PM2, PP2